The following is an entry in ClinVar:

NM_000138.5(FBN1):c.7647C>T (p.Thr2549=)

Gene: FBN1 (fibrillin 1; minus strand). Cytogenetic location: 15q21.1.
Variant type: single nucleotide variant.
Coding change: c.7647C>T on transcript NM_000138.5 (MANE Select); coding-DNA position 7647, C replaced by T.
Protein change: p.Thr2549=; no amino-acid change (threonine 2549 retained).
Molecular consequence: synonymous variant.
Genome position (GRCh38, 1-based): chr15:48,421,610, G>A on the plus strand (C>T on the coding strand, the complement: FBN1 is on the minus strand). VCF-style: chr15-48421610-G-A. GRCh37 (hg19) VCF-style: chr15-48713807-G-A.
Identifiers: ClinVar variation 527227 (VCV000527227.11), dbSNP rs1184032259, ClinGen allele CA490015650.
Genomic context (GRCh38, chr15:48,421,610, plus strand): 5'-CCACCCACCTTCACAGCTGGAGCCGGTCTGATCAAGTGAGAATCCCCGCTGGCATTCACA[G>A]GTGAAGCTTCCAGGAGTGTTCTGGCAAATGCCCTTAGACCCGCACAGATTGATGTCAGAG-3'
Protein context (NP_000129.3, residues 2539-2559): GICQNTPGSF[Thr2549=]CECQRGFSLD

ClinVar aggregate classification (germline): Conflicting classifications of pathogenicity. Review status: criteria provided, conflicting classifications (1 of 4 stars). 3 submissions from 3 submitters: Uncertain significance (1); Likely benign (2). Last evaluated 2026-07-21.

Conditions:
Marfan syndrome (MFS). Also called: FBN1-Related Marfan Syndrome; Marfan's syndrome; MARFAN SYNDROME, TYPE I; Marfan syndrome, classic; Marfan syndrome type 1. Identifiers: Orphanet 284963, Orphanet 558, MedGen C0024796, MONDO:0007947, OMIM 154700.
Familial thoracic aortic aneurysm and aortic dissection (TAAD). Also called: Thoracic aortic aneurysms and dissections. Identifiers: Orphanet 91387, MedGen C4707243, MONDO:0019625.

Allele frequency attached by ClinVar (database versions not stated): gnomAD exomes 0.00001 and below 0.00001; TOPMed 0.00001; gnomAD 0.00001.
gnomAD v4.1: 3 of 1,613,728 alleles (0.00019%); highest among the groups gnomAD compares: Admixed American, 0.005%; no homozygotes.

Submissions (3):

Ambry Genetics
Classification: Likely benign for Familial thoracic aortic aneurysm and aortic dissection. Last evaluated: 2026-07-21. Review status: criteria provided, single submitter. Criteria: Ambry Variant Classification Scheme 2023. Collection method: clinical testing. Allele origin: germline.

Labcorp Genetics (formerly Invitae), Labcorp
Classification: Likely benign for Marfan syndrome; Familial thoracic aortic aneurysm and aortic dissection. Last evaluated: 2025-09-09. Review status: criteria provided, single submitter. Criteria: Invitae Variant Classification Sherloc (09022015). Collection method: clinical testing. Allele origin: germline.

All of Us Research Program, National Institutes of Health
Classification: Uncertain significance for Marfan syndrome. Last evaluated: 2023-11-20. Review status: criteria provided, single submitter. Criteria: ACMG Guidelines, 2015. Collection method: clinical testing. Allele origin: germline. Inheritance: Autosomal dominant inheritance. Observed: 1 variant allele, 1 heterozygote.
Comment: This variant is located in the FBN1 protein. To our knowledge, functional studies have not been reported for this variant. This variant has not been reported in individuals affected with FBN1-related disorders in the literature. This variant has been identified in 3/250396 chromosomes in the general population by the Genome Aggregation Database (gnomAD). The available evidence is insufficient to determine the role of this variant in disease conclusively. Therefore, this variant is classified as a Variant of Uncertain Significance.

This study involves interpretation of variants in research participants for the purpose of population health screening. Participant phenotype was not available at the time of variant classification. Additional details can be found in publication PMID: 35346344, PMCID: PMC8962531